The following is an entry in ClinVar:

NM_020207.7(ERCC6L2):c.936G>T (p.Trp312Cys)

Gene: ERCC6L2 (ERCC excision repair 6 like 2; plus strand). Cytogenetic location: 9q22.32.
Variant type: single nucleotide variant.
Coding change: c.936G>T on transcript NM_020207.7 (MANE Select); coding-DNA position 936, G replaced by T.
Protein change: p.Trp312Cys; replaces tryptophan 312 with cysteine.
Molecular consequence: missense variant. On other transcripts: non-coding transcript variant (1).
Genome position (GRCh38, 1-based): chr9:95,915,815, G>T. VCF-style: chr9-95915815-G-T. GRCh37 (hg19) VCF-style: chr9-98678097-G-T.
Other names: c.936G>T, p.Trp312Cys (NM_001010895.4, NM_001375291.1, NM_001375292.1 and 2 more transcripts); short protein forms W312C.
Identifiers: ClinVar variation 3845972 (VCV003845972.1).
Genomic context (GRCh38, chr9:95,915,815, plus strand): 5'-ATGTAATGTCCGCATTGGCCTCACTGGAACCATCCTTCAGAACAACATGAAGGAACTGTG[G>T]TGTGTTATGGACTGGTGAGAGAAAACACTTTTTAAAAAATTGTTTAATAGTTCTTCAGCT-3'
Protein context (NP_064592.3, residues 302-322): TILQNNMKEL[Trp312Cys]CVMDWAVPGL

ClinVar aggregate classification (germline): Uncertain significance (1 of 4 stars; one submission).

Conditions:
Inborn genetic diseases. Identifiers: MedGen C0950123, MeSH D030342.

Submission:

Ambry Genetics
Classification: Uncertain significance for Inborn genetic diseases. Last evaluated: 2025-03-02. Review status: criteria provided, single submitter. Criteria: Ambry Variant Classification Scheme 2023. Collection method: clinical testing. Allele origin: germline.
Comment: The p.W312C variant (also known as c.936G>T), located in coding exon 5 of the ERCC6L2 gene, results from a G to T substitution at nucleotide position 936. The tryptophan at codon 312 is replaced by cysteine, an amino acid with highly dissimilar properties. This amino acid position is conserved. In addition, this alteration is predicted to be deleterious by in silico analysis. Based on the available evidence, the clinical significance of this variant remains unclear.